The following is an entry in ClinVar:

ClinVar aggregate classification (germline): Uncertain significance (1 of 4 stars; one submission).

Conditions:
Hereditary nonpolyposis colorectal neoplasms. Identifiers: MedGen C0009405, MeSH D003123.

Submission:

Labcorp Genetics (formerly Invitae), Labcorp
Classification: Uncertain significance for Hereditary nonpolyposis colorectal neoplasms. Last evaluated: 2021-07-13. Review status: criteria provided, single submitter. Criteria: Invitae Variant Classification Sherloc (09022015). Collection method: clinical testing. Allele origin: germline.
Comment: The frequency data for this variant in the population databases (ExAC) is considered unreliable due to the presence of homologous sequence, such as pseudogenes or paralogs, in the genome. In summary, the available evidence is currently insufficient to determine the role of this variant in disease. Therefore, it has been classified as a Variant of Uncertain Significance. Experimental studies and prediction algorithms are not available or were not evaluated, and the functional significance of this variant is currently unknown. This variant has not been reported in the literature in individuals affected with PMS2-related conditions. This sequence change replaces aspartic acid with alanine at codon 752 of the PMS2 protein (p.Asp752Ala). The aspartic acid residue is moderately conserved and there is a moderate physicochemical difference between aspartic acid and alanine.

NM_000535.7(PMS2):c.2253_2255delinsCGC (p.Asp752Ala)

Gene: PMS2 (PMS1 homolog 2, mismatch repair system component; minus strand). Cytogenetic location: 7p22.1.
Variant type: Indel.
Coding change: c.2253_2255delinsCGC on transcript NM_000535.7 (MANE Select); coding-DNA positions 2253 to 2255, TGA replaced by CGC.
Protein change: p.Asp752Ala; replaces aspartic acid 752 with alanine.
Molecular consequence: missense variant. On other transcripts: non-coding transcript variant (1).
Genome position (GRCh38, 1-based): chr7:5,978,616-5,978,618, TCA replaced by GCG on the plus strand (TGA replaced by CGC on the coding strand, the reverse complement: PMS2 is on the minus strand). VCF-style: chr7-5978616-TCA-GCG. GRCh37 (hg19) VCF-style: chr7-6018247-TCA-GCG.
Other names: c.1848_1850delinsCGC, p.Asp617Ala (NM_001322003.2, NM_001322004.2, NM_001322005.2 and 1 more transcripts); c.2097_2099delinsCGC, p.Asp700Ala (NM_001322006.2); c.1935_1937delinsCGC, p.Asp646Ala (NM_001322007.2, NM_001322008.2); c.1692_1694delinsCGC, p.Asp565Ala (NM_001322010.2); c.1320_1322delinsCGC, p.Asp441Ala (NM_001322011.2, NM_001322012.2); c.1680_1682delinsCGC, p.Asp561Ala (NM_001322013.2); c.2253_2255delinsCGC, p.Asp752Ala (NM_001322014.2); c.1944_1946delinsCGC, p.Asp649Ala (NM_001322015.2); short protein forms D441A, D649A, D646A, D700A, D561A, D565A, D617A, D752A.
Identifiers: ClinVar variation 1519041 (VCV001519041.6), dbSNP rs2128682292, ClinGen allele CA2573141934.